The following is an entry in ClinVar:

ClinVar aggregate classification (germline): Uncertain significance (1 of 4 stars; one submission).

Submission:

GeneDx
Classification: Uncertain significance. Last evaluated: 2026-02-20. Review status: criteria provided, single submitter. Criteria: GeneDx Variant Classification Process June 2021. Collection method: clinical testing. Allele origin: germline.
Comment: Nonsense variant predicted to result in protein truncation or nonsense mediated decay in a gene or region of a gene for which loss of function is not an established mechanism of disease; Not observed at significant frequency in large population cohorts (gnomAD); Has not been previously published as pathogenic or benign to our knowledge

NM_032188.3(KAT8):c.468T>G (p.Tyr156Ter)

Gene: KAT8 (lysine acetyltransferase 8; plus strand). Cytogenetic location: 16p11.2.
Variant type: single nucleotide variant.
Coding change: c.468T>G on transcript NM_032188.3 (MANE Select); coding-DNA position 468, T replaced by G.
Protein change: p.Tyr156Ter; replaces tyrosine 156 with a stop codon.
Molecular consequence: nonsense.
Genome position (GRCh38, 1-based): chr16:31,127,040, T>G. VCF-style: chr16-31127040-T-G. GRCh37 (hg19) VCF-style: chr16-31138361-T-G.
Other names: c.468T>G, p.Tyr156Ter (NM_182958.4); short protein forms Y156*.
Identifiers: ClinVar variation 5009735 (VCV005009735.1).